The following is an entry in ClinVar:

NM_153700.2(STRC):c.4980T>G (p.Ile1660Met)

Gene: STRC (stereocilin; minus strand). Cytogenetic location: 15q15.3.
Variant type: single nucleotide variant.
Coding change: c.4980T>G on transcript NM_153700.2 (MANE Select); coding-DNA position 4980, T replaced by G.
Protein change: p.Ile1660Met; replaces isoleucine 1660 with methionine.
Molecular consequence: missense variant.
Genome position (GRCh38, 1-based): chr15:43,600,547, A>C on the plus strand (T>G on the coding strand, the complement: STRC is on the minus strand). VCF-style: chr15-43600547-A-C. GRCh37 (hg19) VCF-style: chr15-43892745-A-C.
Other names: short protein forms I1660M.
Identifiers: ClinVar variation 2578088 (VCV002578088.2), dbSNP rs762892344, ClinGen allele CA7527825.

ClinVar aggregate classification (germline): Uncertain significance. Review status: criteria provided, multiple submitters, no conflicts (2 of 4 stars). 2 submissions from 2 submitters: Uncertain significance (2). Last evaluated 2025-07-31.

Conditions:
Inborn genetic diseases. Identifiers: MedGen C0950123, MeSH D030342.

Allele frequency attached by ClinVar (database versions not stated): ExAC 0.00001; gnomAD exomes 0.00001; gnomAD 0.00003; TOPMed 0.00008.
gnomAD v4.1: 23 of 1,613,296 alleles (0.0014%); highest among the groups gnomAD compares: African/African-American, 0.021%; no homozygotes.

Submissions (2):

Ambry Genetics
Classification: Uncertain significance for Inborn genetic diseases. Last evaluated: 2025-07-31. Review status: criteria provided, single submitter. Criteria: Ambry Variant Classification Scheme 2023. Collection method: clinical testing. Allele origin: germline.

GeneDx
Classification: Uncertain significance. Last evaluated: 2023-02-16. Review status: criteria provided, single submitter. Criteria: GeneDx Variant Classification Process June 2021. Collection method: clinical testing. Allele origin: germline. Affected: yes.
Comment: In silico analysis supports that this missense variant does not alter protein structure/function; Has not been previously published as pathogenic or benign to our knowledge